The following is an entry in ClinVar:

ClinVar aggregate classification (germline): Conflicting classifications of pathogenicity. Review status: criteria provided, conflicting classifications (1 of 4 stars). 3 submissions from 2 submitters: Uncertain significance (1); Likely benign (1). 1 of the submissions does not count toward it. Last evaluated 2026-01-13.

Conditions:
RNU4ATAC-related disorder. Also called: RNU4ATAC-related condition.
CLASP1-related disorder. Also called: CLASP1-related condition.

Allele frequency attached by ClinVar (database versions not stated): TOPMed 0.00012; gnomAD 0.00014; ExAC 0.00028.
gnomAD v4.1: 105 of 699,170 alleles (0.015%); highest among the groups gnomAD compares: Middle Eastern, 0.073%; no homozygotes.

Submissions (3):

Labcorp Genetics (formerly Invitae), Labcorp
Classification: Uncertain significance. Last evaluated: 2026-01-13. Review status: criteria provided, single submitter. Criteria: Invitae Variant Classification Sherloc (09022015). Collection method: clinical testing. Allele origin: germline.
Comment: This variant occurs in the RNU4ATAC gene, which encodes an RNA molecule that does not result in a protein product. This variant is present in population databases (rs566340581, gnomAD 0.04%). This variant has not been reported in the literature in individuals affected with RNU4ATAC-related conditions. ClinVar contains an entry for this variant (Variation ID: 1989181). This variant is located within the 5' stem-loop region of the RNU4ATAC RNA, which includes the 15.5K binding site and is important for spliceosome assembly (PMID: 32628740). A significant number of disease-associated RNU4ATAC variants are found in this region (PMID: 32628740, 30368667). In summary, the available evidence is currently insufficient to determine the role of this variant in disease. Therefore, it has been classified as a Variant of Uncertain Significance.

PreventionGenetics, part of Exact Sciences
Classification: Likely benign for CLASP1-related condition. Last evaluated: 2019-06-20. Review status: criteria provided, single submitter. Criteria: ACMG Guidelines, 2015. Collection method: clinical testing. Allele origin: germline.
Comment: This variant is classified as likely benign based on ACMG/AMP sequence variant interpretation guidelines (Richards et al. 2015 PMID: 25741868, with internal and published modifications).

PreventionGenetics, part of Exact Sciences
Classification: Likely benign for RNU4ATAC-related condition. Last evaluated: 2019-06-20. Review status: no assertion criteria provided. Collection method: clinical testing. Allele origin: germline. Not counted in ClinVar's aggregate classification.
Comment: the same text as in the submission from PreventionGenetics, part of Exact Sciences above.

Literature cited by the submitters: PubMed 32628740 (cited by Labcorp Genetics (formerly Invitae), Labcorp); PubMed 30368667 (cited by Labcorp Genetics (formerly Invitae), Labcorp).

NM_001395891.1(CLASP1):c.196-587G>A

Genes: CLASP1 (cytoplasmic linker associated protein 1; minus strand), CLASP1-AS1 (CLASP1 antisense RNA 1; plus strand), RNU4ATAC (RNA, U4atac small nuclear; plus strand). Cytogenetic location: 2q14.2.
Variant type: single nucleotide variant.
Coding change: c.196-587G>A on transcript NM_001395891.1 (MANE Select); 587 bases into the intron before coding-DNA position 196, G replaced by A.
Molecular consequence: intron variant.
Genome position (GRCh38, 1-based): chr2:121,530,912, C>T on the plus strand (G>A on the coding strand, the complement: CLASP1 is on the minus strand). VCF-style: chr2-121530912-C-T. GRCh37 (hg19) VCF-style: chr2-122288488-C-T.
Other names: c.196-587G>A (NM_001142274.2, NM_015282.3, NM_001378003.1 and 4 more transcripts).
Identifiers: ClinVar variation 1989181 (VCV001989181.4), dbSNP rs566340581, ClinGen allele CA1854690.